The following is an entry in ClinVar:

NM_138927.4(SON):c.5311G>C (p.Val1771Leu)

Gene: SON (SON DNA and RNA binding protein; plus strand). Cytogenetic location: 21q22.11.
Variant type: single nucleotide variant.
Coding change: c.5311G>C on transcript NM_138927.4 (MANE Select); coding-DNA position 5311, G replaced by C.
Protein change: p.Val1771Leu; replaces valine 1771 with leucine.
Molecular consequence: missense variant. On other transcripts: non-coding transcript variant (1), intron variant (1).
Genome position (GRCh38, 1-based): chr21:33,554,542, G>C. VCF-style: chr21-33554542-G-C. GRCh37 (hg19) VCF-style: chr21-34926848-G-C.
Other names: c.5311G>C, p.Val1771Leu (NM_001291411.2, NM_001412133.1, NM_032195.3 and 2 more transcripts); c.245-2614G>C (NM_001291412.3); short protein forms V1771L.
Identifiers: ClinVar variation 3014022 (VCV003014022.3), dbSNP rs568512789, ClinGen allele CA10009717.

ClinVar aggregate classification (germline): Uncertain significance (1 of 4 stars; one submission).

Allele frequency attached by ClinVar (database versions not stated): gnomAD 0.00002; gnomAD exomes 0.00003; 1000 Genomes Project 30x 0.00016; 1000 Genomes Project 0.00020; ExAC 0.00001; TOPMed 0.00002.

Submission:

Labcorp Genetics (formerly Invitae), Labcorp
Classification: Uncertain significance. Last evaluated: 2025-07-08. Review status: criteria provided, single submitter. Criteria: Invitae Variant Classification Sherloc (09022015). Collection method: clinical testing. Allele origin: germline.
Comment: This sequence change replaces valine, which is neutral and non-polar, with leucine, which is neutral and non-polar, at codon 1771 of the SON protein (p.Val1771Leu). This variant is present in population databases (rs568512789, gnomAD 0.002%). This variant has not been reported in the literature in individuals affected with SON-related conditions. ClinVar contains an entry for this variant (Variation ID: 3014022). An algorithm developed to predict the effect of missense changes on protein structure and function (PolyPhen-2) suggests that this variant is likely to be disruptive. In summary, the available evidence is currently insufficient to determine the role of this variant in disease. Therefore, it has been classified as a Variant of Uncertain Significance.